The following is an entry in ClinVar:

NM_033419.5(PGAP3):c.788T>G (p.Leu263Arg)

Gene: PGAP3 (post-GPI attachment to proteins phospholipase 3; minus strand). Cytogenetic location: 17q12.
Variant type: single nucleotide variant.
Coding change: c.788T>G on transcript NM_033419.5 (MANE Select); coding-DNA position 788, T replaced by G.
Protein change: p.Leu263Arg; replaces leucine 263 with arginine.
Molecular consequence: missense variant. On other transcripts: intron variant (3).
Genome position (GRCh38, 1-based): chr17:39,673,162, A>C on the plus strand (T>G on the coding strand, the complement: PGAP3 is on the minus strand). VCF-style: chr17-39673162-A-C. GRCh37 (hg19) VCF-style: chr17-37829415-A-C.
Other names: c.635T>G, p.Leu212Arg (NM_001291726.2); c.725T>G, p.Leu242Arg (NM_001291728.2); c.433-296T>G (NM_001291733.2); c.495-296T>G (NM_001291732.2); c.558-296T>G (NM_001291730.2); short protein forms L212R, L242R, L263R.
Identifiers: ClinVar variation 3613055 (VCV003613055.2).

ClinVar aggregate classification (germline): Uncertain significance (1 of 4 stars; one submission).

gnomAD v4.1: 10 of 1,593,412 alleles (0.00063%); highest among the groups gnomAD compares: Non-Finnish European, 0.00077%; no homozygotes.

Submission:

Labcorp Genetics (formerly Invitae), Labcorp
Classification: Uncertain significance. Last evaluated: 2024-06-24. Review status: criteria provided, single submitter. Criteria: Invitae Variant Classification Sherloc (09022015). Collection method: clinical testing. Allele origin: germline.
Comment: This sequence change replaces leucine, which is neutral and non-polar, with arginine, which is basic and polar, at codon 263 of the PGAP3 protein (p.Leu263Arg). This variant is present in population databases (rs373574808, gnomAD 0.002%). This variant has not been reported in the literature in individuals affected with PGAP3-related conditions. Advanced modeling of protein sequence and biophysical properties (such as structural, functional, and spatial information, amino acid conservation, physicochemical variation, residue mobility, and thermodynamic stability) has been performed at Invitae for this missense variant, however the output from this modeling did not meet the statistical confidence thresholds required to predict the impact of this variant on PGAP3 protein function. In summary, the available evidence is currently insufficient to determine the role of this variant in disease. Therefore, it has been classified as a Variant of Uncertain Significance.